The following is an entry in ClinVar:

ClinVar aggregate classification (germline): Uncertain significance. Review status: criteria provided, multiple submitters, no conflicts (2 of 4 stars). 4 submissions from 4 submitters: Uncertain significance (4). Last evaluated 2025-01-17.

Conditions:
Wiskott-Aldrich syndrome 2 (WAS2). Also called: WIPF1 DEFICIENCY. Identifiers: Orphanet 906, MedGen C3281001, MONDO:0013779, OMIM 614493.

Submissions (4):

Labcorp Genetics (formerly Invitae), Labcorp
Classification: Uncertain significance for Wiskott-Aldrich syndrome 2. Last evaluated: 2025-01-17. Review status: criteria provided, single submitter. Criteria: Invitae Variant Classification Sherloc (09022015). Collection method: clinical testing. Allele origin: germline.
Comment: This variant, c.860_862del, results in the deletion of 1 amino acid(s) of the WIPF1 protein (p.Pro287del), but otherwise preserves the integrity of the reading frame. The frequency data for this variant in the population databases is considered unreliable, as metrics indicate poor data quality at this position in the gnomAD database. This variant has not been reported in the literature in individuals affected with WIPF1-related conditions. ClinVar contains an entry for this variant (Variation ID: 658041). Experimental studies and prediction algorithms are not available or were not evaluated, and the functional significance of this variant is currently unknown. In summary, the available evidence is currently insufficient to determine the role of this variant in disease. Therefore, it has been classified as a Variant of Uncertain Significance.

Blueprint Genetics
Classification: Uncertain significance. Last evaluated: 2024-09-09. Review status: criteria provided, single submitter. Criteria: ACMG Guidelines, 2015. Collection method: clinical testing. Allele origin: germline.

Mayo Clinic Laboratories, Mayo Clinic
Classification: Uncertain significance. Last evaluated: 2024-03-28. Review status: criteria provided, single submitter. Criteria: ACMG Guidelines, 2015. Collection method: clinical testing. Allele origin: germline. Observed: 1 variant allele.

Baylor Genetics
Classification: Uncertain significance for Wiskott-Aldrich syndrome 2. Last evaluated: 2018-11-03. Review status: criteria provided, single submitter. Criteria: ACMG Guidelines, 2015. Collection method: clinical testing. Allele origin: maternal. Affected: yes.
Comment: This variant was determined to be of uncertain significance according to ACMG Guidelines, 2015 [PMID:25741868].

NM_001375834.1(WIPF1):c.851CTC[3] (p.Pro287del)

Gene: WIPF1 (WAS/WASL interacting protein family member 1; minus strand). Cytogenetic location: 2q31.1.
Variant type: Microsatellite.
Coding change: c.851CTC[3] on transcript NM_001375834.1 (MANE Select); three copies in a row of the 3-base unit CTC starting at c.851; the reference has four copies in a row; one copy, 3 bases deleted.
Protein change: p.Pro287del; deletes proline 287.
Molecular consequence: inframe deletion.
Genome position (GRCh38, 1-based): chr2:174,571,943-174,571,945, GAG deleted on the plus strand (CTC on the coding strand, the reverse complement: WIPF1 is on the minus strand); deleting any 3 consecutive bases within chr2:174,571,943-174,571,955 gives the same sequence; the position shown is the placement nearest the transcript's 3' end. VCF-style (leftmost placement, unchanged base first): chr2-174571942-TGAG-T. GRCh37 (hg19) VCF-style: chr2-175436670-TGAG-T.
Other names: p.Pro287del; c.851CTC[3], p.Pro287del (NM_001077269.1, NM_001375832.1, NM_001375833.1 and 5 more transcripts); c.473CTC[3], p.Pro161del (NM_001375839.1); c.860_862delCTC (NM_001077269.1); c.860_862del (NM_001077269.1); short protein forms P287del, P161del.
Identifiers: ClinVar variation 658041 (VCV000658041.9), dbSNP rs556678311, ClinGen allele CA1974046.
Genomic context (GRCh38, chr2:174,571,942, plus strand): 5'-GGTGGGGCCTGTGAGGAGGCCGAAGGCCGCGGAGTGGAAGGCACTGGAGGCTTGTTGTTC[TGAG>T]GAGGAGGAGGGGGAACCGCTTCCCTGTGGATGGAGGGCCTGTTGCCCACTGGAGGAGGTG-3'